The following is an entry in ClinVar:

ClinVar aggregate classification (germline): Uncertain significance (1 of 4 stars; one submission).

Allele frequency attached by ClinVar (database versions not stated): TOPMed 0.00001.
gnomAD v4.1: 6 of 1,552,158 alleles (0.00039%); highest among the groups gnomAD compares: East Asian, 0.0024%; no homozygotes.

Submission:

Labcorp Genetics (formerly Invitae), Labcorp
Classification: Uncertain significance. Last evaluated: 2023-10-13. Review status: criteria provided, single submitter. Criteria: Invitae Variant Classification Sherloc (09022015). Collection method: clinical testing. Allele origin: germline.
Comment: This sequence change replaces serine, which is neutral and polar, with arginine, which is basic and polar, at codon 731 of the SLC9A3 protein (p.Ser731Arg). This variant is not present in population databases (gnomAD no frequency). This variant has not been reported in the literature in individuals affected with SLC9A3-related conditions. ClinVar contains an entry for this variant (Variation ID: 1428168). An algorithm developed to predict the effect of missense changes on protein structure and function (PolyPhen-2) suggests that this variant is likely to be tolerated. In summary, the available evidence is currently insufficient to determine the role of this variant in disease. Therefore, it has been classified as a Variant of Uncertain Significance.

NM_004174.4(SLC9A3):c.2193T>G (p.Ser731Arg)

Genes: SLC9A3 (solute carrier family 9 member A3), SLC9A3-AS1 (SLC9A3 antisense RNA 1; plus strand). Cytogenetic location: 5p15.33.
Variant type: single nucleotide variant.
Coding change: c.2193T>G on transcript NM_004174.4 (MANE Select); coding-DNA position 2193, T replaced by G.
Protein change: p.Ser731Arg; replaces serine 731 with arginine.
Molecular consequence: missense variant.
Genome position (GRCh38, 1-based): chr5:475,619, A>C on the plus strand (T>G on the coding strand, the complement: SLC9A3 is on the minus strand). VCF-style: chr5-475619-A-C. GRCh37 (hg19) VCF-style: chr5-475734-A-C.
Other names: c.2166T>G, p.Ser722Arg (NM_001284351.3); short protein forms S722R, S731R.
Identifiers: ClinVar variation 1428168 (VCV001428168.6), dbSNP rs1307415897, ClinGen allele CA359024019.
Genomic context (GRCh38, chr5:475,619, plus strand): 5'-ACCTGCAGGGGAGTCGGACGCTGTGTCCTTGGTGACACTAGCCAGGAACTCGATCCCCCC[A>C]CTCATCTCCTCATCATAGTTGGGGGGCTCCTCGGTGTCTGAAAGTTCCAAGTCTGGGGAA-3'
Protein context (NP_004165.2, residues 721-741): EEPPNYDEEM[Ser731Arg]GGIEFLASVT